The following is an entry in ClinVar:

ClinVar aggregate classification (germline): Likely pathogenic (1 of 4 stars; one submission).

Conditions:
Gorlin syndrome. Also called: Nevoid Basal Cell Carcinoma Syndrome; Basal cell nevus syndrome. Identifiers: Orphanet 377, MedGen C0004779, MONDO:0007187.

Submission:

Labcorp Genetics (formerly Invitae), Labcorp
Classification: Likely pathogenic for Gorlin syndrome. Last evaluated: 2024-01-22. Review status: criteria provided, single submitter. Criteria: Invitae Variant Classification Sherloc (09022015). Collection method: clinical testing. Allele origin: germline.
Comment: This sequence change falls in intron 4 of the PTCH1 gene. It does not directly change the encoded amino acid sequence of the PTCH1 protein. RNA analysis indicates that this variant induces altered splicing and likely results in a shortened protein product. This variant is not present in population databases (gnomAD no frequency). This variant has been observed in individual(s) with clinical features of basal cell nevus syndrome (Invitae). It has also been observed to segregate with disease in related individuals. Studies have shown that this variant results in skipping of exons 4-5, but is expected to preserve the integrity of the reading-frame (Invitae). This variant disrupts a region of the PTCH1 protein in which other variant(s) (p.Glu237Lys) have been observed in individuals with PTCH1-related conditions (PMID: 21514272). This suggests that this is a clinically significant region of the protein, and that variants that disrupt it are likely to be disease-causing. In summary, the currently available evidence indicates that the variant is pathogenic, but additional data are needed to prove that conclusively. Therefore, this variant has been classified as Likely Pathogenic.

Literature cited by the submitters: PubMed 21514272.

NM_000264.5(PTCH1):c.655-12_655-11insGGCCTCTTCTTTTTTTTTTTTTTTTTTTTTTTTTNNNNNNNNNNGTGAGACTGGATGGTCTGGATCTCGTGTACTCGTGATACTCCCGCCTCTGCCTCCCAAACAGCTGGGATTACAGGCGTGAGCCACTTCGCCCGGCC

Gene: PTCH1 (patched 1; minus strand). Cytogenetic location: 9q22.32.
Variant type: Microsatellite.
Coding change: c.655-12_655-11insGGCCTCTTCTTTTTTTTTTTTTTTTTTTTTTTTTNNNNNNNNNNGTGAGACTGGATGGTCTGGATCTCGTGTACTCGTGATACTCCCGCCTCTGCCTCCCAAACAGCTGGGATTACAGGCGTGAGCCACTTCGCCCGGCC on transcript NM_000264.5 (MANE Select); 12 bases into the intron before coding-DNA position 655 through 11 bases into the intron before coding-DNA position 655, GGCCTCTTCTTTTTTTTTTTTTTTTTTTTTTTTTNNNNNNNNNNGTGAGACTGGATGGTCTGGATCTCGTGTACTCGTGATACTCCCGCCTCTGCCTCCCAAACAGCTGGGATTACAGGCGTGAGCCACTTCGCCCGGCC inserted.
Molecular consequence: intron variant.
Genome position: GRCh38: chr9:95,482,052-95,482,065. GRCh37 (hg19), VCF-style position (the base before the change): chr9:98,244,333.
Other names: c.652-12_652-11insGGCCTCTTCTTTTTTTTTTTTTTTTTTTTTTTTTNNNNNNNNNNGTGAGACTGGATGGTCTGGATCTCGTGTACTCGTGATACTCCCGCCTCTGCCTCCCAAACAGCTGGGATTACAGGCGTGAGCCACTTCGCCCGGCC (NM_001083603.3); c.457-12_457-11insGGCCTCTTCTTTTTTTTTTTTTTTTTTTTTTTTTNNNNNNNNNNGTGAGACTGGATGGTCTGGATCTCGTGTACTCGTGATACTCCCGCCTCTGCCTCCCAAACAGCTGGGATTACAGGCGTGAGCCACTTCGCCCGGCC (NM_001083602.3, NM_001354919.2); c.655-12_655-11insGGCCTCTTCTTTTTTTTTTTTTTTTTTTTTTTTTNNNNNNNNNNGTGAGACTGGATGGTCTGGATCTCGTGTACTCGTGATACTCCCGCCTCTGCCTCCCAAACAGCTGGGATTACAGGCGTGAGCCACTTCGCCCGGCC (NM_001354918.2); c.202-12_202-11insGGCCTCTTCTTTTTTTTTTTTTTTTTTTTTTTTTNNNNNNNNNNGTGAGACTGGATGGTCTGGATCTCGTGTACTCGTGATACTCCCGCCTCTGCCTCCCAAACAGCTGGGATTACAGGCGTGAGCCACTTCGCCCGGCC (NM_001083605.3, NM_001083604.3, NM_001083606.3 and 1 more transcripts).
Identifiers: ClinVar variation 2760374 (VCV002760374.3).